The following is an entry in ClinVar:

NM_006766.5(KAT6A):c.3937G>T (p.Asp1313Tyr)

Gene: KAT6A (lysine acetyltransferase 6A; minus strand). Cytogenetic location: 8p11.21.
Variant type: single nucleotide variant.
Coding change: c.3937G>T on transcript NM_006766.5 (MANE Select); coding-DNA position 3937, G replaced by T.
Protein change: p.Asp1313Tyr; replaces aspartic acid 1313 with tyrosine.
Molecular consequence: missense variant.
Genome position (GRCh38, 1-based): chr8:41,934,283, C>A on the plus strand (G>T on the coding strand, the complement: KAT6A is on the minus strand). VCF-style: chr8-41934283-C-A. GRCh37 (hg19) VCF-style: chr8-41791801-C-A.
Other names: short protein forms D1313Y.
Identifiers: ClinVar variation 3343347 (VCV003343347.1).

ClinVar aggregate classification (germline): Uncertain significance (1 of 4 stars; one submission).

Submission:

GeneDx
Classification: Uncertain significance. Last evaluated: 2023-05-04. Review status: criteria provided, single submitter. Criteria: GeneDx Variant Classification Process June 2021. Collection method: clinical testing. Allele origin: germline. Affected: yes.
Comment: Not observed at significant frequency in large population cohorts (gnomAD); In silico analysis supports that this missense variant has a deleterious effect on protein structure/function; Has not been previously published as pathogenic or benign to our knowledge